The following is an entry in ClinVar:

NM_001355436.2(SPTB):c.3562-2A>G

Gene: SPTB (spectrin beta, erythrocytic; minus strand). Cytogenetic location: 14q23.3.
Variant type: single nucleotide variant.
Coding change: c.3562-2A>G on transcript NM_001355436.2 (MANE Select); the canonical splice acceptor site of the intron before coding-DNA position 3562, A replaced by G.
Molecular consequence: splice acceptor variant.
Genome position (GRCh38, 1-based): chr14:64,785,953, T>C on the plus strand (A>G on the coding strand, the complement: SPTB is on the minus strand). VCF-style: chr14-64785953-T-C. GRCh37 (hg19) VCF-style: chr14-65252671-T-C.
Other names: c.3562-2A>G (NM_001024858.4, NM_001355437.2).
Identifiers: ClinVar variation 3721544 (VCV003721544.2).

ClinVar aggregate classification (germline): Likely pathogenic (1 of 4 stars; one submission).

Submission:

Labcorp Genetics (formerly Invitae), Labcorp
Classification: Likely pathogenic. Last evaluated: 2024-04-10. Review status: criteria provided, single submitter. Criteria: Invitae Variant Classification Sherloc (09022015). Collection method: clinical testing. Allele origin: germline.
Comment: This sequence change affects an acceptor splice site in intron 15 of the SPTB gene. RNA analysis indicates that disruption of this splice site induces altered splicing and likely results in a shortened protein product. This variant is not present in population databases (gnomAD no frequency). Disruption of this splice site has been observed in individual(s) with clinical features of autosomal dominant hereditary spherocytosis (PMID: 19608679). This variant is also known as beta-spectrin Bari. Studies have shown that disruption of this splice site alters SPTB gene expression (PMID: 19608679). Studies have shown that disruption of this splice site results in skipping of exons 16-17, but is expected to preserve the integrity of the reading-frame (PMID: 19608679). In summary, the currently available evidence indicates that the variant is pathogenic, but additional data are needed to prove that conclusively. Therefore, this variant has been classified as Likely Pathogenic.

Literature cited by the submitters: PubMed 19608679.